The following is an entry in ClinVar:

NM_052845.4(MMAB):c.184A>G (p.Thr62Ala)

Gene: MMAB (metabolism of cobalamin associated B; minus strand). Cytogenetic location: 12q24.11.
Variant type: single nucleotide variant.
Coding change: c.184A>G on transcript NM_052845.4 (MANE Select); coding-DNA position 184, A replaced by G.
Protein change: p.Thr62Ala; replaces threonine 62 with alanine.
Molecular consequence: missense variant. On other transcripts: non-coding transcript variant (1).
Genome position (GRCh38, 1-based): chr12:109,571,661, T>C on the plus strand (A>G on the coding strand, the complement: MMAB is on the minus strand). VCF-style: chr12-109571661-T-C. GRCh37 (hg19) VCF-style: chr12-110009466-T-C.
Other names: c.184A>G (NM_052845.3); short protein forms T62A.
Identifiers: ClinVar variation 989539 (VCV000989539.5), dbSNP rs759809454, ClinGen allele CA6779026.

ClinVar aggregate classification (germline): Uncertain significance. Review status: criteria provided, multiple submitters, no conflicts (2 of 4 stars). 4 submissions from 4 submitters: Uncertain significance (3). 1 of the submissions does not count toward it. Last evaluated 2024-09-10.

Conditions:
Methylmalonic aciduria, cblB type (MACB). Also called: METHYLMALONIC ACIDURIA, VITAMIN B12-RESPONSIVE, DUE TO DEFECT IN SYNTHESIS OF ADENOSYLCOBALAMIN, cblB TYPE; Vitamin B12-responsive methylmalonic acidemia type cblB; Methylmalonic acidemia cblB type. Identifiers: Orphanet 28, Orphanet 79311, MedGen C1855102, MONDO:0009614, OMIM 251110.
Inborn genetic diseases. Identifiers: MedGen C0950123, MeSH D030342.

Allele frequency attached by ClinVar (database versions not stated): gnomAD 0.00001; gnomAD exomes 0.00001 and 0.00004; ExAC 0.00002; TOPMed 0.00002.
gnomAD v4.1: 14 of 1,613,876 alleles (0.00087%); highest among the groups gnomAD compares: Admixed American, 0.023%; no homozygotes.

Submissions (4):

Ambry Genetics
Classification: Uncertain significance for Inborn genetic diseases. Last evaluated: 2024-09-10. Review status: criteria provided, single submitter. Criteria: Ambry Variant Classification Scheme 2023. Collection method: clinical testing. Allele origin: germline.

Fulgent Genetics
Classification: Uncertain significance for Methylmalonic aciduria, cblB type. Last evaluated: 2024-01-11. Review status: criteria provided, single submitter. Criteria: ACMG Guidelines, 2015. Collection method: clinical testing. Allele origin: germline.

Labcorp Genetics (formerly Invitae), Labcorp
Classification: Uncertain significance for Methylmalonic aciduria, cblB type. Last evaluated: 2022-08-16. Review status: criteria provided, single submitter. Criteria: Invitae Variant Classification Sherloc (09022015). Collection method: clinical testing. Allele origin: germline.
Comment: This sequence change replaces threonine, which is neutral and polar, with alanine, which is neutral and non-polar, at codon 62 of the MMAB protein (p.Thr62Ala). This variant is present in population databases (rs759809454, gnomAD 0.03%). This variant has not been reported in the literature in individuals affected with MMAB-related conditions. ClinVar contains an entry for this variant (Variation ID: 989539). Algorithms developed to predict the effect of missense changes on protein structure and function are either unavailable or do not agree on the potential impact of this missense change (SIFT: "Deleterious"; PolyPhen-2: "Possibly Damaging"; Align-GVGD: "Class C0"). In summary, the available evidence is currently insufficient to determine the role of this variant in disease. Therefore, it has been classified as a Variant of Uncertain Significance.

Natera, Inc.
Classification: Uncertain significance for Methylmalonic aciduria cblB type. Last evaluated: 2020-04-10. Review status: no assertion criteria provided. Collection method: clinical testing. Allele origin: germline. Not counted in ClinVar's aggregate classification.